The following is an entry in ClinVar:

NM_005335.6(HCLS1):c.552C>T (p.His184=)

Gene: HCLS1 (hematopoietic cell-specific Lyn substrate 1; minus strand). Cytogenetic location: 3q13.33.
Variant type: single nucleotide variant.
Coding change: c.552C>T on transcript NM_005335.6 (MANE Select); coding-DNA position 552, C replaced by T.
Protein change: p.His184=; no amino-acid change (histidine 184 retained).
Molecular consequence: synonymous variant. On other transcripts: intron variant (1).
Genome position (GRCh38, 1-based): chr3:121,637,159, G>A on the plus strand (C>T on the coding strand, the complement: HCLS1 is on the minus strand). VCF-style: chr3-121637159-G-A. GRCh37 (hg19) VCF-style: chr3-121356006-G-A.
Other names: c.455-670C>T (NM_001292041.2).
Identifiers: ClinVar variation 2654067 (VCV002654067.24), dbSNP rs368893881, ClinGen allele CA2565083.

ClinVar aggregate classification (germline): Likely benign (1 of 4 stars; one submission).

gnomAD v4.1: 73 of 1,610,706 alleles (0.0045%); highest among the groups gnomAD compares: Admixed American, 0.035%; no homozygotes.

Submission:

CeGaT Center for Human Genetics Tuebingen
Classification: Likely benign. Last evaluated: 2022-12-01. Review status: criteria provided, single submitter. Criteria: CeGaT Center For Human Genetics Tuebingen Variant Classification Criteria Version 2. Collection method: clinical testing. Allele origin: germline. Affected: yes. Observed: 1 variant allele.
Comment: HCLS1: BP4, BP7